The following is an entry in ClinVar:

NM_001290043.2(TAP2):c.754C>T (p.Arg252Trp)

Gene: TAP2 (transporter 2, ATP binding cassette subfamily B member; minus strand). Cytogenetic location: 6p21.32.
Variant type: single nucleotide variant.
Coding change: c.754C>T on transcript NM_001290043.2 (MANE Select); coding-DNA position 754, C replaced by T.
Protein change: p.Arg252Trp; replaces arginine 252 with tryptophan.
Molecular consequence: missense variant.
Genome position (GRCh38, 1-based): chr6:32,835,345, G>A on the plus strand (C>T on the coding strand, the complement: TAP2 is on the minus strand). VCF-style: chr6-32835345-G-A. GRCh37 (hg19) VCF-style: chr6-32803122-G-A.
Other names: c.754C>T, p.Arg252Trp (NM_000544.3, NM_018833.3); short protein forms R252W.
Identifiers: ClinVar variation 2174402 (VCV002174402.2), dbSNP rs745356167, ClinGen allele CA3746062.

ClinVar aggregate classification (germline): Uncertain significance (1 of 4 stars; one submission).

Conditions:
MHC class I deficiency. Identifiers: Orphanet 34592, MedGen C6024714, MONDO:0011476.

Allele frequency attached by ClinVar (database versions not stated): gnomAD 0.00002; ExAC 0.00003; TOPMed 0.00003.
gnomAD v4.1: 58 of 1,612,956 alleles (0.0036%); highest among the groups gnomAD compares: Middle Eastern, 0.016%; no homozygotes.

Submission:

Labcorp Genetics (formerly Invitae), Labcorp
Classification: Uncertain significance for MHC class I deficiency 1. Last evaluated: 2022-05-17. Review status: criteria provided, single submitter. Criteria: Invitae Variant Classification Sherloc (09022015). Collection method: clinical testing. Allele origin: germline.
Comment: This sequence change replaces arginine, which is basic and polar, with tryptophan, which is neutral and slightly polar, at codon 252 of the TAP2 protein (p.Arg252Trp). This variant is present in population databases (rs745356167, gnomAD 0.01%). This variant has not been reported in the literature in individuals affected with TAP2-related conditions. Algorithms developed to predict the effect of missense changes on protein structure and function are either unavailable or do not agree on the potential impact of this missense change (SIFT: "Deleterious"; PolyPhen-2: "Not Available"; Align-GVGD: "Class C0"). In summary, the available evidence is currently insufficient to determine the role of this variant in disease. Therefore, it has been classified as a Variant of Uncertain Significance.